The following is an entry in ClinVar:

ClinVar aggregate classification (germline): Uncertain significance (1 of 4 stars; one submission).

Submission:

Labcorp Genetics (formerly Invitae), Labcorp
Classification: Uncertain significance. Last evaluated: 2026-01-20. Review status: criteria provided, single submitter. Criteria: Invitae Variant Classification Sherloc (09022015). Collection method: clinical testing. Allele origin: germline.
Comment: This sequence change replaces valine, which is neutral and non-polar, with glutamic acid, which is acidic and polar, at codon 27 of the SERPINB6 protein (p.Val27Glu). This variant is not present in population databases (gnomAD no frequency). This variant has not been reported in the literature in individuals affected with SERPINB6-related conditions. Invitae Evidence Modeling of protein sequence and biophysical properties (such as structural, functional, and spatial information, amino acid conservation, physicochemical variation, residue mobility, and thermodynamic stability) indicates that this missense variant is expected to disrupt SERPINB6 protein function with a positive predictive value of 80%. In summary, the available evidence is currently insufficient to determine the role of this variant in disease. Therefore, it has been classified as a Variant of Uncertain Significance.

NM_004568.6(SERPINB6):c.80T>A (p.Val27Glu)

Gene: SERPINB6 (serpin family B member 6; minus strand). Cytogenetic location: 6p25.2.
Variant type: single nucleotide variant.
Coding change: c.80T>A on transcript NM_004568.6 (MANE Select); coding-DNA position 80, T replaced by A.
Protein change: p.Val27Glu; replaces valine 27 with glutamic acid.
Molecular consequence: missense variant. On other transcripts: non-coding transcript variant (1), intron variant (1).
Genome position (GRCh38, 1-based): chr6:2,959,253, A>T on the plus strand (T>A on the coding strand, the complement: SERPINB6 is on the minus strand). VCF-style: chr6-2959253-A-T. GRCh37 (hg19) VCF-style: chr6-2959487-A-T.
Other names: c.34-3583T>A (NM_001374517.1); c.92T>A, p.Val31Glu (NM_001195291.3, NM_001374515.1); c.122T>A, p.Val41Glu (NM_001271822.2); c.137T>A, p.Val46Glu (NM_001271823.2); c.80T>A, p.Val27Glu (NM_001271824.2, NM_001271825.2, NM_001297699.2 and 2 more transcripts); short protein forms V31E, V27E, V41E, V46E.
Identifiers: ClinVar variation 4769414 (VCV004769414.1).
Genomic context (GRCh38, chr6:2,959,253, plus strand): 5'-CCCTTTGCCCCCATGTAGACCATGGCCAGGGCACAGGACATGCTCATGGGTGAGAAAAAC[A>T]CATTCTTCGAGTTGTCTTTACCCAGCGTTTTCAAAAGGTTTAAGGCAAAGGTGCCATTTG-3'
Protein context (NP_004559.4, residues 17-37): KTLGKDNSKN[Val27Glu]FFSPMSMSCA